The following is an entry in ClinVar:

ClinVar aggregate classification (germline): Uncertain significance (1 of 4 stars; one submission).

gnomAD v4.1: 2 of 1,613,650 alleles (0.00012%); highest among the groups gnomAD compares: Non-Finnish European, 0.00017%; no homozygotes.

Submission:

Women's Health and Genetics/Laboratory Corporation of America, LabCorp
Classification: Uncertain significance. Last evaluated: 2026-02-04. Review status: criteria provided, single submitter. Criteria: LabCorp Variant Classification Summary - May 2015. Collection method: clinical testing. Allele origin: germline.
Comment: Variant summary: B4GALT7 c.413+4G>A alters a nucleotide located close to a canonical splice site and therefore could affect mRNA splicing, leading to a significantly altered protein sequence. Consensus agreement among computation tools predict no significant impact on normal splicing. However, these predictions have yet to be confirmed by functional studies. The variant allele was found at a frequency of 4.1e-06 in 243000 control chromosomes. The available data on variant occurrences in the general population are insufficient to allow any conclusion about variant significance. To our knowledge, no occurrence of c.413+4G>A in individuals affected with B4GALT7-related conditions and no experimental evidence demonstrating its impact on protein function have been reported. No submitters have cited clinical-significance assessments for this variant to ClinVar. Based on the evidence outlined above, the variant was classified as uncertain significance.

NM_007255.3(B4GALT7):c.413+4G>A

Gene: B4GALT7 (beta-1,4-galactosyltransferase 7; plus strand). Cytogenetic location: 5q35.3.
Variant type: single nucleotide variant.
Coding change: c.413+4G>A on transcript NM_007255.3 (MANE Select); 4 bases into the intron after coding-DNA position 413, G replaced by A.
Molecular consequence: intron variant.
Genome position (GRCh38, 1-based): chr5:177,604,545, G>A. VCF-style: chr5-177604545-G-A. GRCh37 (hg19) VCF-style: chr5-177031546-G-A.
Identifiers: ClinVar variation 4848051 (VCV004848051.1).